The following is an entry in ClinVar:

NM_002292.4(LAMB2):c.1422A>C (p.Ala474=)

Gene: LAMB2 (laminin subunit beta 2; minus strand). Cytogenetic location: 3p21.31.
Variant type: single nucleotide variant.
Coding change: c.1422A>C on transcript NM_002292.4 (MANE Select); coding-DNA position 1422, A replaced by C.
Protein change: p.Ala474=; no amino-acid change (alanine 474 retained).
Molecular consequence: synonymous variant.
Genome position (GRCh38, 1-based): chr3:49,129,700, T>G on the plus strand (A>C on the coding strand, the complement: LAMB2 is on the minus strand). VCF-style: chr3-49129700-T-G. GRCh37 (hg19) VCF-style: chr3-49167133-T-G.
Identifiers: ClinVar variation 706428 (VCV000706428.10), dbSNP rs201408584, ClinGen allele CA2394592.

ClinVar aggregate classification (germline): Likely benign. Review status: criteria provided, multiple submitters, no conflicts (2 of 4 stars). 3 submissions from 3 submitters: Likely benign (2). 1 of the submissions does not count toward it. Last evaluated 2025-12-01.

Conditions:
Pierson syndrome. Also called: MICROCORIA-CONGENITAL NEPHROTIC SYNDROME. Identifiers: Orphanet 2670, MedGen C1836876, MONDO:0012184, OMIM 609049.
LAMB2-related infantile-onset nephrotic syndrome. Also called: Nephrotic Syndrome, type 5; NEPHROTIC SYNDROME, TYPE 5, WITHOUT OCULAR ABNORMALITIES; NEPHROTIC SYNDROME, TYPE 5, WITH OCULAR ABNORMALITIES. Identifiers: Orphanet 306507, MedGen C3280113, MONDO:0013621, OMIM 614199.
LAMB2-related disorder. Also called: LAMB2-related condition.

Allele frequency attached by ClinVar (database versions not stated): gnomAD exomes 0.00004 and 0.00014; gnomAD 0.00006 and 0.00011; TOPMed 0.00014; ExAC 0.00017; 1000 Genomes Project 0.00060; 1000 Genomes Project 30x 0.00062.
gnomAD v4.1: 95 of 1,613,966 alleles (0.0059%); highest among the groups gnomAD compares: East Asian, 0.12%; 1 homozygote.

Submissions (3):

Labcorp Genetics (formerly Invitae), Labcorp
Classification: Likely benign for LAMB2-related infantile-onset nephrotic syndrome; Pierson syndrome. Last evaluated: 2025-12-01. Review status: criteria provided, single submitter. Criteria: Invitae Variant Classification Sherloc (09022015). Collection method: clinical testing. Allele origin: germline.

Fulgent Genetics
Classification: Likely benign for Pierson syndrome; LAMB2-related infantile-onset nephrotic syndrome. Last evaluated: 2022-05-19. Review status: criteria provided, single submitter. Criteria: ACMG Guidelines, 2015. Collection method: clinical testing. Allele origin: unknown.

PreventionGenetics, part of Exact Sciences
Classification: Likely benign for LAMB2-related condition. Last evaluated: 2020-09-23. Review status: no assertion criteria provided. Collection method: clinical testing. Allele origin: germline. Not counted in ClinVar's aggregate classification.
Comment: This variant is classified as likely benign based on ACMG/AMP sequence variant interpretation guidelines (Richards et al. 2015 PMID: 25741868, with internal and published modifications).